The following is an entry in ClinVar:

ClinVar aggregate classification (germline): Conflicting classifications of pathogenicity. Review status: criteria provided, conflicting classifications (1 of 4 stars). 3 submissions from 3 submitters: Uncertain significance (1); Benign (1); Likely benign (1). Last evaluated 2026-01-18.

Conditions:
Vibratory urticaria (VBU). Identifiers: MedGen C0157743, MONDO:0006618, OMIM 125630, HP:0410138.

Allele frequency attached by ClinVar (database versions not stated): TOPMed 0.00003; gnomAD 0.00007; gnomAD exomes 0.00009; ExAC 0.00025.

Submissions (3):

Labcorp Genetics (formerly Invitae), Labcorp
Classification: Uncertain significance. Last evaluated: 2026-01-18. Review status: criteria provided, single submitter. Criteria: Invitae Variant Classification Sherloc (09022015). Collection method: clinical testing. Allele origin: germline.
Comment: This sequence change replaces proline, which is neutral and non-polar, with leucine, which is neutral and non-polar, at codon 19 of the ADGRE2 protein (p.Pro19Leu). This variant is present in population databases (rs772168079, gnomAD 0.08%), and has an allele count higher than expected for a pathogenic variant. This variant has not been reported in the literature in individuals affected with ADGRE2-related conditions. ClinVar contains an entry for this variant (Variation ID: 2074623). An algorithm developed to predict the effect of missense changes on protein structure and function outputs the following: PolyPhen-2: "Benign". The leucine amino acid residue is found in multiple mammalian species, which suggests that this missense change does not adversely affect protein function. In summary, the available evidence is currently insufficient to determine the role of this variant in disease. Therefore, it has been classified as a Variant of Uncertain Significance.

Dr.Nikuei Genetic Center
Classification: Benign for Vibratory urticaria. Last evaluated: 2024-06-27. Review status: criteria provided, single submitter. Criteria: ACMG Guidelines, 2015. Collection method: clinical testing. Allele origin: germline. Affected: no.

Ambry Genetics
Classification: Likely benign. Last evaluated: 2021-07-09. Review status: criteria provided, single submitter. Criteria: Ambry Variant Classification Scheme 2023. Collection method: clinical testing. Allele origin: germline.

NM_013447.4(ADGRE2):c.56C>T (p.Pro19Leu)

Gene: ADGRE2 (adhesion G protein-coupled receptor E2; minus strand). Cytogenetic location: 19p13.12.
Variant type: single nucleotide variant.
Coding change: c.56C>T on transcript NM_013447.4 (MANE Select); coding-DNA position 56, C replaced by T.
Protein change: p.Pro19Leu; replaces proline 19 with leucine.
Molecular consequence: missense variant.
Genome position (GRCh38, 1-based): chr19:14,774,282, G>A on the plus strand (C>T on the coding strand, the complement: ADGRE2 is on the minus strand). VCF-style: chr19-14774282-G-A. GRCh37 (hg19) VCF-style: chr19-14885094-G-A.
Other names: c.56C>T, p.Pro19Leu (NM_001271052.1, NM_152916.2, NM_152917.2); short protein forms P19L.
Identifiers: ClinVar variation 2074623 (VCV002074623.6), dbSNP rs772168079, ClinGen allele CA9258333.
Genomic context (GRCh38, chr19:14,774,282, plus strand): 5'-GTGGACTGTGCTTTCTGCTTCCCAGCAGACTCACCCCTGGAGTCCTGGGTTTCAGCTCCC[G>A]GCAGAGTCAGCCAGACACAGAATGCTGCAACAGAGAAAGGAAAGGGGGTCAGAGGGGATC-3'
Protein context (NP_038475.2, residues 9-29): FLAFCVWLTL[Pro19Leu]GAETQDSRGC